The following is an entry in ClinVar:

ClinVar aggregate classification (germline): Uncertain significance. Review status: criteria provided, multiple submitters, no conflicts (2 of 4 stars). 2 submissions from 2 submitters: Uncertain significance (2). Last evaluated 2025-06-28.

Conditions:
Arrhythmogenic right ventricular dysplasia 13. Also called: ARRHYTHMOGENIC RIGHT VENTRICULAR CARDIOMYOPATHY 13; Arrhythmogenic right ventricular dysplasia, familial, 13. Identifiers: MedGen C3810138, MONDO:0000908, OMIM 615616.

Allele frequency attached by ClinVar (database versions not stated): ExAC 0.00002.
gnomAD v4.1: 3 of 1,614,146 alleles (0.00019%); highest among the groups gnomAD compares: East Asian, 0.0045%; no homozygotes.

Submissions (2):

Ambry Genetics
Classification: Uncertain significance. Last evaluated: 2025-06-28. Review status: criteria provided, single submitter. Criteria: Ambry Variant Classification Scheme 2023. Collection method: clinical testing. Allele origin: germline.
Comment: The p.S557G variant (also known as c.1669A>G), located in coding exon 11 of the CTNNA3 gene, results from an A to G substitution at nucleotide position 1669. The serine at codon 557 is replaced by glycine, an amino acid with similar properties. This amino acid position is conserved. In addition, this alteration is predicted to be tolerated by in silico analysis. Based on the available evidence, the clinical significance of this variant remains unclear.

Labcorp Genetics (formerly Invitae), Labcorp
Classification: Uncertain significance for Arrhythmogenic right ventricular dysplasia 13. Last evaluated: 2017-10-17. Review status: criteria provided, single submitter. Criteria: Invitae Variant Classification Sherloc (09022015). Collection method: clinical testing. Allele origin: germline.
Comment: Algorithms developed to predict the effect of missense changes on protein structure and function do not agree on the potential impact of this missense change (SIFT: "Tolerated"; PolyPhen-2: "Possible Damaging"; Align-GVGD: "Class C0"). In summary, the available evidence is currently insufficient to determine the role of this variant in disease. Therefore, it has been classified as a Variant of Uncertain Significance. This variant has not been reported in the literature in individuals with CTNNA3-related disease. This variant is present in population databases (rs768735520, ExAC 0.01%). This sequence change replaces serine with glycine at codon 557 of the CTNNA3 protein (p.Ser557Gly). The serine residue is weakly conserved and there is a small physicochemical difference between serine and glycine.

NM_013266.4(CTNNA3):c.1669A>G (p.Ser557Gly)

Gene: CTNNA3 (catenin alpha 3; minus strand). Cytogenetic location: 10q21.3.
Variant type: single nucleotide variant.
Coding change: c.1669A>G on transcript NM_013266.4 (MANE Select); coding-DNA position 1669, A replaced by G.
Protein change: p.Ser557Gly; replaces serine 557 with glycine.
Molecular consequence: missense variant.
Genome position (GRCh38, 1-based): chr10:66,379,215, T>C on the plus strand (A>G on the coding strand, the complement: CTNNA3 is on the minus strand). VCF-style: chr10-66379215-T-C. GRCh37 (hg19) VCF-style: chr10-68138973-T-C.
Other names: c.1669A>G (NM_013266.2); c.1669A>G, p.Ser557Gly (NM_001127384.3); short protein forms S557G.
Identifiers: ClinVar variation 541659 (VCV000541659.9), dbSNP rs768735520, ClinGen allele CA5519863.